The following is an entry in ClinVar:

ClinVar aggregate classification (germline): Conflicting classifications of pathogenicity. Review status: criteria provided, conflicting classifications (1 of 4 stars). 7 submissions from 6 submitters: Uncertain significance (4); Likely benign (3). Last evaluated 2026-05-13.

Conditions:
SOS1-related disorder. Also called: SOS1-related condition.
RASopathy. Also called: rasopathies; Noonan spectrum disorder. Identifiers: Orphanet 536391, MedGen C5555857, MONDO:0021060.
Noonan syndrome 4 (NS4). Also called: SOS1-Related Noonan Syndrome; NOONAN SYNDROME WITH PIGMENTED VILLONODULAR SYNOVITIS. Identifiers: Orphanet 648, MedGen C1853120, MONDO:0012547, OMIM 610733.
Cardiovascular phenotype. Identifiers: MedGen CN230736.
Fibromatosis, gingival, 1 (GINGF1). Identifiers: Orphanet 2024, MedGen C4551558, MONDO:0007609, OMIM 135300.

Allele frequency attached by ClinVar (database versions not stated): ExAC 0.00002; gnomAD exomes 0.00002 and 0.00003; gnomAD 0.00004; TOPMed 0.00005; ESP Exome Variant Server 0.00008.
gnomAD v4.1: 47 of 1,526,762 alleles (0.0031%); highest among the groups gnomAD compares: Non-Finnish European, 0.0041%; no homozygotes.

Submissions (7):

PreventionGenetics, part of Exact Sciences
Classification: Likely benign for SOS1-related condition. Last evaluated: 2026-05-13. Review status: criteria provided, single submitter. Criteria: ACMG Guidelines, 2015. Collection method: clinical testing. Allele origin: germline.
Comment: This variant is classified as likely benign based on ACMG/AMP sequence variant interpretation guidelines (Richards et al. 2015 PMID: 25741868, with internal and published modifications).

CeGaT Center for Human Genetics Tuebingen
Classification: Likely benign. Last evaluated: 2026-05-01. Review status: criteria provided, single submitter. Criteria: CeGaT Center For Human Genetics Tuebingen Variant Classification Criteria Version 2. Collection method: clinical testing. Allele origin: germline. Affected: yes. Observed: 2 variant alleles.
Comment: SOS1: BP4

Labcorp Genetics (formerly Invitae), Labcorp
Classification: Uncertain significance for RASopathy. Last evaluated: 2025-10-14. Review status: criteria provided, single submitter. Criteria: Invitae Variant Classification Sherloc (09022015). Collection method: clinical testing. Allele origin: germline.
Comment: This sequence change falls in intron 10 of the SOS1 gene. It does not directly change the encoded amino acid sequence of the SOS1 protein. It affects a nucleotide within the consensus splice site. This variant is present in population databases (rs199727062, gnomAD 0.006%). This variant has not been reported in the literature in individuals affected with SOS1-related conditions. ClinVar contains an entry for this variant (Variation ID: 1415741). Variants that disrupt the consensus splice site are a relatively common cause of aberrant splicing (PMID: 17576681, 9536098). Algorithms developed to predict the effect of sequence changes on RNA splicing suggest that this variant is not likely to affect RNA splicing. In summary, the available evidence is currently insufficient to determine the role of this variant in disease. Therefore, it has been classified as a Variant of Uncertain Significance.

Blueprint Genetics
Classification: Likely benign. Last evaluated: 2024-11-21. Review status: criteria provided, single submitter. Criteria: ACMG Guidelines, 2015. Collection method: clinical testing. Allele origin: germline.

Ambry Genetics
Classification: Uncertain significance for Cardiovascular phenotype. Last evaluated: 2024-08-19. Review status: criteria provided, single submitter. Criteria: Ambry Variant Classification Scheme 2023. Collection method: clinical testing. Allele origin: germline.
Comment: The c.1859-3T>C intronic variant results from a T to C substitution 3 nucleotides upstream from coding exon 11 in the SOS1 gene. This nucleotide position is not well conserved in available vertebrate species. In silico splice site analysis predicts that this alteration will not have any significant effect on splicing. Based on the available evidence, the clinical significance of this variant remains unclear.

Genome-Nilou Lab
Classification: Uncertain significance for Noonan syndrome 4. Review status: criteria provided, single submitter. Criteria: ACMG Guidelines, 2015. Collection method: clinical testing. Allele origin: germline.

Genome-Nilou Lab
Classification: Uncertain significance for Fibromatosis, gingival, 1. Review status: criteria provided, single submitter. Criteria: ACMG Guidelines, 2015. Collection method: clinical testing. Allele origin: germline.

Literature cited by the submitters: PubMed 17576681 (cited by Labcorp Genetics (formerly Invitae), Labcorp); PubMed 9536098 (cited by Labcorp Genetics (formerly Invitae), Labcorp).

NM_005633.4(SOS1):c.1859-3T>C

Gene: SOS1 (SOS Ras/Rac guanine nucleotide exchange factor 1; minus strand). Cytogenetic location: 2p22.1.
Variant type: single nucleotide variant.
Coding change: c.1859-3T>C on transcript NM_005633.4 (MANE Select); 3 bases into the intron before coding-DNA position 1859, T replaced by C.
Molecular consequence: intron variant.
Genome position (GRCh38, 1-based): chr2:39,014,849, A>G on the plus strand (T>C on the coding strand, the complement: SOS1 is on the minus strand). VCF-style: chr2-39014849-A-G. GRCh37 (hg19) VCF-style: chr2-39241990-A-G.
Other names: c.1838-3T>C (NM_001382394.1); c.1859-3T>C (NM_001382395.1).
Identifiers: ClinVar variation 1415741 (VCV001415741.26), dbSNP rs199727062, ClinGen allele CA1624522.